The following is an entry in ClinVar:

NM_004006.3(DMD):c.832-17C>A

Gene: DMD (dystrophin; minus strand). Cytogenetic location: Xp21.1.
Variant type: single nucleotide variant.
Coding change: c.832-17C>A on transcript NM_004006.3 (MANE Select); 17 bases into the intron before coding-DNA position 832, C replaced by A.
Molecular consequence: intron variant.
Genome position (GRCh38, 1-based): chrX:32,698,015, G>T on the plus strand (C>A on the coding strand, the complement: DMD is on the minus strand). VCF-style: chrX-32698015-G-T. GRCh37 (hg19) VCF-style: chrX-32716132-G-T.
Other names: c.808-17C>A (NM_000109.4); c.820-17C>A (NM_004009.3); c.463-17C>A (NM_004010.3).
Identifiers: ClinVar variation 94799 (VCV000094799.33), dbSNP rs72470514, ClinGen allele CA285611.

ClinVar aggregate classification (germline): Benign/Likely benign. Review status: criteria provided, multiple submitters, no conflicts (2 of 4 stars). 12 submissions from 12 submitters: Benign (6); Likely benign (1). 5 of the submissions do not count toward it. Last evaluated 2026-01-27.

Conditions:
Dystrophin deficiency.
Becker muscular dystrophy (BMD). Also called: MUSCULAR DYSTROPHY, PSEUDOHYPERTROPHIC PROGRESSIVE, BECKER TYPE; Becker Muscular Dystrophy (BMD). Identifiers: Orphanet 98895, MedGen C0917713, MONDO:0010311, OMIM 300376.
Cardiomyopathy (CMYO). Also called: Cardiomyopathies. Identifiers: Orphanet 167848, MedGen C0878544, MONDO:0004994, HP:0001638. Inheritance: Various modes of inheritance.
Duchenne muscular dystrophy (DMD). Also called: Duchenne Muscular Dystrophy (DMD); MUSCULAR DYSTROPHY, PSEUDOHYPERTROPHIC PROGRESSIVE, DUCHENNE TYPE. Identifiers: Orphanet 98896, MedGen C0013264, MONDO:0010679, OMIM 310200.
Dilated cardiomyopathy 3B (CMD3B). Also called: CMD3B: DMD-Related Dilated Cardiomyopathy; CARDIOMYOPATHY, DILATED, X-LINKED; DMD-Associated Dilated Cardiomyopathy. Identifiers: Orphanet 154, MedGen C3668940, MONDO:0010542, OMIM 302045.

Allele frequency attached by ClinVar (database versions not stated): 1000 Genomes Project 0.00848; 1000 Genomes Project 30x 0.00895; gnomAD 0.01678; TOPMed 0.01582; ESP Exome Variant Server 0.00702.
gnomAD v4.1: 23,668 of 1,179,792 alleles (2%); highest among the groups gnomAD compares: Non-Finnish European, 2.3%; 205 homozygotes.

Submissions (12):

Labcorp Genetics (formerly Invitae), Labcorp
Classification: Benign for Duchenne muscular dystrophy. Last evaluated: 2026-01-27. Review status: criteria provided, single submitter. Criteria: Invitae Variant Classification Sherloc (09022015). Collection method: clinical testing. Allele origin: germline.

ARUP Laboratories, Molecular Genetics and Genomics, ARUP Laboratories
Classification: Benign. Last evaluated: 2025-03-28. Review status: criteria provided, single submitter. Criteria: ARUP Molecular Germline Variant Investigation Process 2024. Collection method: clinical testing. Allele origin: germline.

Blueprint Genetics
Classification: Benign. Last evaluated: 2024-11-26. Review status: criteria provided, single submitter. Criteria: ACMG Guidelines, 2015. Collection method: clinical testing. Allele origin: germline.

Fulgent Genetics
Classification: Likely benign for Becker muscular dystrophy; Dilated cardiomyopathy 3B; Duchenne muscular dystrophy. Last evaluated: 2022-02-11. Review status: criteria provided, single submitter. Criteria: ACMG Guidelines, 2015. Collection method: clinical testing. Allele origin: unknown.

Eurofins Ntd Llc (ga)
Classification: Benign. Last evaluated: 2014-05-09. Review status: criteria provided, single submitter. Criteria: EGL Classification Definitions 2015. Collection method: clinical testing. Allele origin: germline. Observed: 13 variant alleles, 5 heterozygotes, 8 hemizygotes.

GeneDx
Classification: Benign. Last evaluated: 2014-03-06. Review status: criteria provided, single submitter. Criteria: GeneDx Variant Classification (06012015). Collection method: clinical testing. Allele origin: germline. Affected: yes.
Comment: This variant is considered likely benign or benign based on one or more of the following criteria: it is a conservative change, it occurs at a poorly conserved position in the protein, it is predicted to be benign by multiple in silico algorithms, and/or has population frequency not consistent with disease.

Breakthrough Genomics
Classification: Benign. Review status: criteria provided, single submitter. Criteria: ACMG Guidelines, 2015. Collection method: not provided. Allele origin: germline. Inheritance: X-linked inheritance. Affected: yes.

Natera, Inc.
Classification: Benign for Becker muscular dystrophy; Cardiomyopathy; Duchenne muscular dystrophy; Dystrophin deficiency. Last evaluated: 2018-04-24. Review status: no assertion criteria provided. Collection method: clinical testing. Allele origin: germline. Not counted in ClinVar's aggregate classification.

Clinical Genetics, Academic Medical Center
Classification: Benign. Review status: no assertion criteria provided. Collection method: clinical testing. Allele origin: germline. Affected: yes. Study: VKGL Data-share Consensus. Not counted in ClinVar's aggregate classification.

Diagnostic Laboratory, Department of Genetics, University Medical Center Groningen
Classification: Likely benign. Review status: no assertion criteria provided. Collection method: clinical testing. Allele origin: germline. Affected: yes. Study: VKGL Data-share Consensus. Not counted in ClinVar's aggregate classification.

Genome Diagnostics Laboratory, University Medical Center Utrecht
Classification: Benign. Review status: no assertion criteria provided. Collection method: clinical testing. Allele origin: germline. Affected: yes. Study: VKGL Data-share Consensus. Not counted in ClinVar's aggregate classification.

Laboratory of Diagnostic Genome Analysis, Leiden University Medical Center (LUMC)
Classification: Benign. Review status: no assertion criteria provided. Collection method: clinical testing. Allele origin: germline. Affected: yes. Study: VKGL Data-share Consensus. Not counted in ClinVar's aggregate classification.